The following is an entry in ClinVar:

ClinVar aggregate classification (germline): Benign/Likely benign. Review status: criteria provided, multiple submitters, no conflicts (2 of 4 stars). 2 submissions from 2 submitters: Benign (1); Likely benign (1). Last evaluated 2025-12-19.

Conditions:
Emery-Dreifuss muscular dystrophy 5, autosomal dominant (EDMD5). Also called: EMERY-DREIFUSS MUSCULAR DYSTROPHY 5. Identifiers: Orphanet 261, MedGen C2751805, MONDO:0013072, OMIM 612999.

Allele frequency attached by ClinVar (database versions not stated): gnomAD below 0.00001 and 0.00009; TOPMed 0.00002; gnomAD exomes 0.00011 and 0.00019; ExAC 0.00025; 1000 Genomes Project 30x 0.00094; 1000 Genomes Project 0.00120.
gnomAD v4.1: 168 of 1,614,146 alleles (0.01%); highest among the groups gnomAD compares: South Asian, 0.18%; 1 homozygote.

Submissions (2):

Labcorp Genetics (formerly Invitae), Labcorp
Classification: Likely benign for Emery-Dreifuss muscular dystrophy 5, autosomal dominant. Last evaluated: 2025-12-19. Review status: criteria provided, single submitter. Criteria: Invitae Variant Classification Sherloc (09022015). Collection method: clinical testing. Allele origin: germline.

Illumina Laboratory Services, Illumina
Classification: Benign for Emery-Dreifuss muscular dystrophy 5, autosomal dominant. Last evaluated: 2018-01-12. Review status: criteria provided, single submitter. Criteria: ICSL Variant Classification Criteria 13 December 2019. Collection method: clinical testing. Allele origin: germline.
Comment: This variant was observed in the ICSL laboratory as part of a predisposition screen in an ostensibly healthy population. It had not been previously curated by ICSL or reported in the Human Gene Mutation Database (HGMD: prior to June 1st, 2018), and was therefore a candidate for classification through an automated scoring system. Utilizing variant allele frequency, disease prevalence and penetrance estimates, and inheritance mode, an automated score was calculated to assess if this variant is too frequent to cause the disease. Based on the score and internal cut-off values, a variant classified as benign is not then subjected to further curation. The score for this variant resulted in a classification of benign for this disease.

NM_182914.3(SYNE2):c.7487A>G (p.Tyr2496Cys)

Gene: SYNE2 (spectrin repeat containing nuclear envelope protein 2; plus strand). Cytogenetic location: 14q23.2.
Variant type: single nucleotide variant.
Coding change: c.7487A>G on transcript NM_182914.3 (MANE Select); coding-DNA position 7487, A replaced by G.
Protein change: p.Tyr2496Cys; replaces tyrosine 2496 with cysteine.
Molecular consequence: missense variant.
Genome position (GRCh38, 1-based): chr14:64,049,720, A>G. VCF-style: chr14-64049720-A-G. GRCh37 (hg19) VCF-style: chr14-64516438-A-G.
Other names: c.7487A>G, p.Tyr2496Cys (NM_015180.6); short protein forms Y2496C.
Identifiers: ClinVar variation 882704 (VCV000882704.11), dbSNP rs536644359, ClinGen allele CA7220949.
Genomic context (GRCh38, chr14:64,049,720, plus strand): 5'-AACAAACAGAATGTCTTAACAAAACAGAAACTGGGGCCTTGGTTCTCCACAATATAGGAT[A>G]TTCGGCACAGCATTTGGACAATTTGCTTCAGGCACTTATTACTTTGAAGAAAAACAAAGA-3'
Protein context (NP_878918.2, residues 2486-2506): TGALVLHNIG[Tyr2496Cys]SAQHLDNLLQ